The following is an entry in ClinVar:

NM_001128159.3(VPS53):c.1218A>G (p.Gln406=)

Genes: VPS53 (VPS53 subunit of GARP complex; minus strand), LOC126862457 (BRD4-independent group 4 enhancer GRCh37_chr17:504328-505527; plus strand). Cytogenetic location: 17p13.3.
Variant type: single nucleotide variant.
Coding change: c.1218A>G on transcript NM_001128159.3 (MANE Select); coding-DNA position 1218, A replaced by G.
Protein change: p.Gln406=; no amino-acid change (glutamine 406 retained).
Molecular consequence: synonymous variant.
Genome position (GRCh38, 1-based): chr17:601,795, T>C on the plus strand (A>G on the coding strand, the complement: VPS53 is on the minus strand). VCF-style: chr17-601795-T-C. GRCh37 (hg19) VCF-style: chr17-505035-T-C.
Other names: c.1218A>G, p.Gln406= (NM_001366253.2); c.624A>G, p.Gln208= (NM_001366254.2); c.1131A>G, p.Gln377= (NM_018289.4).
Identifiers: ClinVar variation 385372 (VCV000385372.12), dbSNP rs61748635, ClinGen allele CA8261517.

ClinVar aggregate classification (germline): Benign. Review status: criteria provided, multiple submitters, no conflicts (2 of 4 stars). 3 submissions from 3 submitters: Benign (3). Last evaluated 2026-02-04.

Allele frequency attached by ClinVar (database versions not stated): ExAC 0.00937; gnomAD exomes 0.00944; ESP Exome Variant Server 0.01292; gnomAD 0.01340 and 0.01358; TOPMed 0.01562; 1000 Genomes Project 30x 0.01827; 1000 Genomes Project 0.01897.
gnomAD v4.1: 7,958 of 1,597,090 alleles (0.5%); highest among the groups gnomAD compares: East Asian, 6.6%; 183 homozygotes.

Submissions (3):

Labcorp Genetics (formerly Invitae), Labcorp
Classification: Benign. Last evaluated: 2026-02-04. Review status: criteria provided, single submitter. Criteria: Invitae Variant Classification Sherloc (09022015). Collection method: clinical testing. Allele origin: germline.

GeneDx
Classification: Benign. Last evaluated: 2016-05-18. Review status: criteria provided, single submitter. Criteria: GeneDx Variant Classification (06012015). Collection method: clinical testing. Allele origin: germline. Affected: yes.
Comment: This variant is considered likely benign or benign based on one or more of the following criteria: it is a conservative change, it occurs at a poorly conserved position in the protein, it is predicted to be benign by multiple in silico algorithms, and/or has population frequency not consistent with disease.

Breakthrough Genomics
Classification: Benign. Review status: criteria provided, single submitter. Criteria: ACMG Guidelines, 2015. Collection method: not provided. Allele origin: germline. Inheritance: Autosomal recessive inheritance. Affected: yes.